The following continues an entry in ClinVar:

NM_000112.4(SLC26A2):c.-26+2T>C

Gene: SLC26A2. ClinVar aggregate classification (germline): Pathogenic. Pathogenic (21).

Submissions 14 to 25 of 25:

Baylor Genetics
Classification: Pathogenic for Multiple epiphyseal dysplasia type 4. Last evaluated: 2021-04-07. Review status: criteria provided, single submitter. Criteria: ACMG Guidelines, 2015. Collection method: clinical testing. Allele origin: unknown.

Myriad Genetics, Inc.
Classification: Pathogenic for Achondrogenesis, type IB. Last evaluated: 2019-12-26. Review status: criteria provided, single submitter. Criteria: Myriad Women's Health Autosomal Recessive and X-Linked Classification Criteria (2019). Collection method: clinical testing. Allele origin: unknown.
Comment: NM_000112.3(SLC26A2):c.-26+2T>C is classified as pathogenic in the context of SLC26A2-related disorders. Sources cited for classification include the following: PMID 10482955 and 21077202. Classification of NM_000112.3(SLC26A2):c.-26+2T>C is based on the following criteria: This is a well-established pathogenic variant in the literature that has been observed more frequently in patients with clinical diagnoses than in healthy populations. Please note: this variant was assessed in the context of healthy population screening.

Myriad Genetics, Inc.
Classification: Pathogenic for 3MC syndrome 2. Last evaluated: 2019-12-26. Review status: criteria provided, single submitter. Criteria: Myriad Women's Health Autosomal Recessive and X-Linked Classification Criteria (2019). Collection method: clinical testing. Allele origin: unknown.
Comment: the same text as in the submission from Myriad Genetics, Inc. above.

Myriad Genetics, Inc.
Classification: Pathogenic for Multiple epiphyseal dysplasia type 4. Last evaluated: 2019-12-26. Review status: criteria provided, single submitter. Criteria: Myriad Women's Health Autosomal Recessive and X-Linked Classification Criteria (2019). Collection method: clinical testing. Allele origin: unknown.
Comment: the same text as in the submission from Myriad Genetics, Inc. above.

Myriad Genetics, Inc.
Classification: Pathogenic for Diastrophic dysplasia. Last evaluated: 2019-12-26. Review status: criteria provided, single submitter. Criteria: Myriad Women's Health Autosomal Recessive and X-Linked Classification Criteria (2019). Collection method: clinical testing. Allele origin: unknown.
Comment: the same text as in the submission from Myriad Genetics, Inc. above.

Illumina Laboratory Services, Illumina
Classification: Pathogenic for SLC26A2-Related Disorders. Last evaluated: 2018-10-10. Review status: criteria provided, single submitter. Criteria: ICSL Variant Classification Criteria 09 May 2019. Collection method: clinical testing. Allele origin: germline.
Comment: The SLC26A2 c.-26+2T>C variant occurs in a canonical splice site (donor) and is therefore predicted to disrupt or distort the normal gene product.This variant, which has been described as a founder variant in the Finnish population, has been reported in at least six studies and is found in a total of at least 101 probands including 70 in a homozygous state, 17 in a compound heterozygous state, and 14 in a heterozygous state (HÃ¤stbacka et al. 1999; BonafÃ© et al. 2008; Dwyer et al. 2010; Jackson et al. 2012; Zechi-Ceide et al. 2013; MÃ¤kitie et al. 2015). Of the 101 probands, 77 probands were affected by diastrophic dysplasia, six probands with recessively inherited multiple epiphyseal dysplasia, three probands with a phenotype that was intermediate between diastrophic dysplasia and multiple epiphyseal dysplasia, and one proband with atelosteogenesis. No probands were reported with achondrogenesis or sulfate transporter-related osteochondrodysplasia. The c.-26+2T>C variant is present in at least four unaffected parents in a heterozygous state (BonafÃ© et al. 2008; Dwyer et al. 2010). The variant was absent from 200 control samples and is reported at a frequency of 0.01515 in the Finnish population of the 1000 Genomes Project. RT-PCR assays using skin fibroblasts from probands homozygous for the c.-26+2T>C variant showed a 5% level of wild type mRNA which was correctly spliced (HÃ¤stbacka et al. 1999). Based on the collective evidence, the c.-26+2T>C variant is classified as pathogenic for SLC26A2-related disorders. This variant was observed by ICSL as part of a predisposition screen in an ostensibly healthy population.

Women's Health and Genetics/Laboratory Corporation of America, LabCorp
Classification: Pathogenic for Osteochondrodysplasia. Last evaluated: 2018-02-19. Review status: criteria provided, single submitter. Criteria: LabCorp Variant Classification Summary - May 2015. Collection method: clinical testing. Allele origin: germline.
Comment: Variant summary: SLC26A2 c.-26+2T>C is located in a canonical splice-site in the 5'UTR and is predicted to affect mRNA splicing, resulting in a significantly altered protein due to either exon skipping, shortening, or inclusion of intronic material. Several computational tools predict a significant impact on normal splicing: Four predict the variant abolishes a 5' splicing donor site. This is supported by at least one publication that reports a near complete loss of properly spliced mRNA from patient fibroblasts (Hastbacka_1999). The variant allele was found at a frequency of 0.0014 in 30678 control chromosomes (gnomAD), which does not exceed the maximal expected frequency for a pathogenic variant in the SLC26A2 gene. The c.-26+2T>C variant has been reported in the literature in numerous individuals affected with Sulfate Transporter-Related Osteochondrodysplasia as a homozygous and compound heterozygous allele, and is referred to in the literature as a founder mutation in the Finnish population (Hastbacka_1999). These data indicate that the variant is very likely to be associated with disease. No clinical diagnostic laboratories have submitted clinical-significance assessments for this variant to ClinVar after 2014, though several submitters prior to 2014 classified the variant as pathogenic. Based on the evidence outlined above, the variant was classified as pathogenic.

Eurofins Ntd Llc (ga)
Classification: Pathogenic. Last evaluated: 2014-10-14. Review status: criteria provided, single submitter. Criteria: EGL Classification Definitions 2015. Collection method: clinical testing. Allele origin: germline.

Reproductive Health Research and Development, BGI Genomics
Classification: Pathogenic for Atelosteogenesis type 2. Last evaluated: 2020-01-06. Review status: no assertion criteria provided. Collection method: curation. Allele origin: germline. Not counted in ClinVar's aggregate classification.
Comment: NG_007147.2(NM_000112.3):c.-26+2T>C in the SLC26A2 gene has an allele frequency of 0.007 in European (Finnish) subpopulation in the gnomAD database. Makitie O. et al. reported that one patient was homozygous for the Finnish major SLC26A2 mutation IVS1+2T>C, four were compound heterozygotes with this mutation and Arg279Trp and all of them were affected with multiple epiphyseal dysplasia (PMID: 24598000). The SLC26A2 c.-26+2T>C variant occurs in a canonical splice site (donor) and is therefore predicted to disrupt or distort the normal gene product. Taken together, we interprete this variant as Pathogenic/Likely pathogenic variant. ACMG/AMP Criteria applied: PVS1; PM3; PP4.

OMIM
Classification: Pathogenic for DIASTROPHIC DYSPLASIA. Last evaluated: 2008-12-01. Review status: no assertion criteria provided. Collection method: literature only. Allele origin: germline. Not counted in ClinVar's aggregate classification.

GeneReviews
No classification provided. Condition: Diastrophic dysplasia. Review status: no classification provided. Collection method: literature only. Allele origin: unknown. Not counted in ClinVar's aggregate classification.

Juha Muilu Group; Institute for Molecular Medicine Finland (FIMM)
Classification: Pathogenic for Diastrophic dysplasia. Review status: no assertion criteria provided. Collection method: not provided. Allele origin: unknown. Not counted in ClinVar's aggregate classification.
Comment: FinDis database variant: This variant was not found or characterized by our laboratory, data were collected from public sources: see reference
ClinVar note: Converted during submission from pathogenic to Pathogenic.

Literature cited by the submitters: PubMed 10482955 (cited by 8 submitters); PubMed 21077202 (cited by 4 submitters); PubMed 23840040 (cited by 3 submitters); PubMed 34064542 (cited by Laboratory of Functional Genomics, Research Centre for Medical Genetics); PubMed 3614068 (cited by Natera, Inc.); PubMed 21155763 (cited by Natera, Inc.); PubMed 24598000 (cited by Illumina Laboratory Services, Illumina); PubMed 21922596 (cited by Illumina Laboratory Services, Illumina); PubMed 18708426 (cited by Illumina Laboratory Services, Illumina and OMIM); PubMed 20301524 (cited by GeneReviews); NCBI Bookshelf NBK1350 (cited by GeneReviews).